The following is an entry in ClinVar:

NM_001287491.2(TET3):c.1706G>A (p.Arg569Gln)

Gene: TET3 (tet methylcytosine dioxygenase 3; plus strand). Cytogenetic location: 2p13.1.
Variant type: single nucleotide variant.
Coding change: c.1706G>A on transcript NM_001287491.2 (MANE Select); coding-DNA position 1706, G replaced by A.
Protein change: p.Arg569Gln; replaces arginine 569 with glutamine.
Molecular consequence: missense variant.
Genome position (GRCh38, 1-based): chr2:74,047,623, G>A. VCF-style: chr2-74047623-G-A. GRCh37 (hg19) VCF-style: chr2-74274750-G-A.
Other names: c.1427G>A, p.Arg476Gln (NM_001366022.1); short protein forms R476Q, R569Q.
Identifiers: ClinVar variation 3389161 (VCV003389161.14).

ClinVar aggregate classification (germline): Likely benign (1 of 4 stars; one submission).

gnomAD v4.1: 73 of 1,613,622 alleles (0.0045%); highest among the groups gnomAD compares: South Asian, 0.046%; no homozygotes.

Submission:

CeGaT Center for Human Genetics Tuebingen
Classification: Likely benign. Last evaluated: 2024-11-01. Review status: criteria provided, single submitter. Criteria: CeGaT Center For Human Genetics Tuebingen Variant Classification Criteria Version 2. Collection method: clinical testing. Allele origin: germline. Affected: yes. Observed: 1 variant allele.
Comment: TET3: BP4, BS2